The following is an entry in ClinVar:

ClinVar aggregate classification (germline): Likely benign (1 of 4 stars; one submission).

Submission:

CeGaT Center for Human Genetics Tuebingen
Classification: Likely benign. Last evaluated: 2026-08-01. Review status: criteria provided, single submitter. Criteria: CeGaT Center For Human Genetics Tuebingen Variant Classification Criteria Version 2. Collection method: clinical testing. Allele origin: germline. Affected: yes. Observed: 3 variant alleles.
Comment: ZNF468: BP4, BP7

NM_001008801.2(ZNF468):c.1278G>T (p.Leu426=)

Gene: ZNF468 (zinc finger protein 468; minus strand). Cytogenetic location: 19q13.41.
Variant type: single nucleotide variant.
Coding change: c.1278G>T on transcript NM_001008801.2 (MANE Select); coding-DNA position 1278, G replaced by T.
Protein change: p.Leu426=; no amino-acid change (leucine 426 retained).
Molecular consequence: synonymous variant. On other transcripts: 3 prime UTR variant (1), non-coding transcript variant (3).
Genome position (GRCh38, 1-based): chr19:52,841,016, C>A on the plus strand (G>T on the coding strand, the complement: ZNF468 is on the minus strand). VCF-style: chr19-52841016-C-A. GRCh37 (hg19) VCF-style: chr19-53344269-C-A.
Other names: c.*1012G>T (NM_001277120.2).
Identifiers: ClinVar variation 3388196 (VCV003388196.14).